The following is an entry in ClinVar:

NM_001658.4(ARF1):c.201C>G (p.Asp67Glu)

Genes: ARF1 (ARF GTPase 1; plus strand), LOC126806039 (CDK7 strongly-dependent group 2 enhancer GRCh37_chr1:228284937-228286136; plus strand). Cytogenetic location: 1q42.13.
Variant type: single nucleotide variant.
Coding change: c.201C>G on transcript NM_001658.4 (MANE Select); coding-DNA position 201, C replaced by G.
Protein change: p.Asp67Glu; replaces aspartic acid 67 with glutamic acid.
Molecular consequence: missense variant.
Genome position (GRCh38, 1-based): chr1:228,097,394, C>G. VCF-style: chr1-228097394-C-G. GRCh37 (hg19) VCF-style: chr1-228285095-C-G.
Other names: c.201C>G, p.Asp67Glu (NM_001024226.2, NM_001024227.1, NM_001024228.2); short protein forms D67E.
Identifiers: ClinVar variation 1709793 (VCV001709793.1), dbSNP rs753396348, ClinGen allele CA345078262.

ClinVar aggregate classification (germline): Uncertain significance (1 of 4 stars; one submission).

Conditions:
Periventricular nodular heterotopia 8. Identifiers: MedGen C4748602, MONDO:0032588, OMIM 618185.

Submission:

MGZ Medical Genetics Center
Classification: Uncertain significance for Periventricular nodular heterotopia 8. Last evaluated: 2022-09-05. Review status: criteria provided, single submitter. Criteria: ACMG Guidelines, 2015. Collection method: clinical testing. Allele origin: germline. Affected: yes. Observed: 1 variant allele.
Comment: ACMG criteria applied: PS2_MOD, PM2_SUP, PP2, PP3